The following is an entry in ClinVar:

ClinVar aggregate classification (germline): Likely pathogenic (1 of 4 stars; one submission).

Conditions:
TNFRSF13B-related disorder. Also called: TNFRSF13B-related condition.

Allele frequency attached by ClinVar (database versions not stated): gnomAD exomes below 0.00001.
gnomAD v4.1: 1 of 1,613,878 alleles (0.000062%); highest among the groups gnomAD compares: Admixed American, 0.0017%; no homozygotes.

Submission:

PreventionGenetics, part of Exact Sciences
Classification: Likely pathogenic for TNFRSF13B-related condition. Last evaluated: 2022-11-07. Review status: criteria provided, single submitter. Criteria: ACMG Guidelines, 2015. Collection method: clinical testing. Allele origin: germline.
Comment: The TNFRSF13B c.200-2A>G variant is predicted to disrupt the AG splice acceptor site and interfere with normal splicing. To our knowledge, this variant has not been reported in the literature. This variant is reported in 0.0029% of alleles in individuals of Latino descent in gnomAD. Variants that disrupt the consensus splice acceptor site in TNFRSF13B are expected to be pathogenic. This variant is interpreted as likely pathogenic.

NM_012452.3(TNFRSF13B):c.200-2A>G

Gene: TNFRSF13B (TNF receptor superfamily member 13B; minus strand). Cytogenetic location: 17p11.2.
Variant type: single nucleotide variant.
Coding change: c.200-2A>G on transcript NM_012452.3 (MANE Select); the canonical splice acceptor site of the intron before coding-DNA position 200, A replaced by G.
Molecular consequence: splice acceptor variant.
Genome position (GRCh38, 1-based): chr17:16,948,985, T>C on the plus strand (A>G on the coding strand, the complement: TNFRSF13B is on the minus strand). VCF-style: chr17-16948985-T-C. GRCh37 (hg19) VCF-style: chr17-16852299-T-C.
Identifiers: ClinVar variation 2637382 (VCV002637382.1), dbSNP rs1434385525, ClinGen allele CA398520267.